The following is an entry in ClinVar:

NM_032634.4(PIGO):c.779A>G (p.Gln260Arg)

Gene: PIGO (phosphatidylinositol glycan anchor biosynthesis class O; minus strand). Cytogenetic location: 9p13.3.
Variant type: single nucleotide variant.
Coding change: c.779A>G on transcript NM_032634.4 (MANE Select); coding-DNA position 779, A replaced by G.
Protein change: p.Gln260Arg; replaces glutamine 260 with arginine.
Molecular consequence: missense variant.
Genome position (GRCh38, 1-based): chr9:35,093,901, T>C on the plus strand (A>G on the coding strand, the complement: PIGO is on the minus strand). VCF-style: chr9-35093901-T-C. GRCh37 (hg19) VCF-style: chr9-35093898-T-C.
Other names: c.779A>G, p.Gln260Arg (NM_001201484.2, NM_152850.4); short protein forms Q260R.
Identifiers: ClinVar variation 2134610 (VCV002134610.4), dbSNP rs1829550048, ClinGen allele CA373323511.
Genomic context (GRCh38, chr9:35,093,901, plus strand): 5'-AGAGCTTCTTCGAGATTCTCAGACACAAACCCACTCCCCCAGCCAATACCCCACACTCAC[T>C]GGATCACCTGGTCCATCTGGCTAAGTTTCTTGGCCATTTCAGGGTGGTGAGGGCCATGCT-3'
Protein context (NP_116023.2, residues 250-270): KKLSQMDQVI[Gln260Arg]GLVERLENDT

ClinVar aggregate classification (germline): Uncertain significance (1 of 4 stars; one submission).

Conditions:
Hyperphosphatasia with impaired intellectual development syndrome 2. Also called: Hyperphosphatasia with intellectual disability syndrome 2; GLYCOSYLPHOSPHATIDYLINOSITOL BIOSYNTHESIS DEFECT 6. Identifiers: Orphanet 247262, MedGen C3553637, MONDO:0013882, OMIM 614749.

Allele frequency attached by ClinVar (database versions not stated): gnomAD exomes below 0.00001.

Submission:

Labcorp Genetics (formerly Invitae), Labcorp
Classification: Uncertain significance for Hyperphosphatasia with impaired intellectual development syndrome 2. Last evaluated: 2022-05-06. Review status: criteria provided, single submitter. Criteria: Invitae Variant Classification Sherloc (09022015). Collection method: clinical testing. Allele origin: germline.
Comment: In summary, the available evidence is currently insufficient to determine the role of this variant in disease. Therefore, it has been classified as a Variant of Uncertain Significance. Algorithms developed to predict the effect of sequence changes on RNA splicing suggest that this variant may disrupt the consensus splice site. Algorithms developed to predict the effect of missense changes on protein structure and function (SIFT, PolyPhen-2, Align-GVGD) all suggest that this variant is likely to be tolerated. This variant has not been reported in the literature in individuals affected with PIGO-related conditions. This variant is not present in population databases (gnomAD no frequency). This sequence change replaces glutamine, which is neutral and polar, with arginine, which is basic and polar, at codon 260 of the PIGO protein (p.Gln260Arg).